The following is an entry in ClinVar:

NM_001876.4(CPT1A):c.924G>A (p.Trp308Ter)

Gene: CPT1A (carnitine palmitoyltransferase 1A; minus strand). Cytogenetic location: 11q13.3.
Variant type: single nucleotide variant.
Coding change: c.924G>A on transcript NM_001876.4 (MANE Select); coding-DNA position 924, G replaced by A.
Protein change: p.Trp308Ter; replaces tryptophan 308 with a stop codon.
Molecular consequence: nonsense.
Genome position (GRCh38, 1-based): chr11:68,793,358, C>T on the plus strand (G>A on the coding strand, the complement: CPT1A is on the minus strand). VCF-style: chr11-68793358-C-T. GRCh37 (hg19) VCF-style: chr11-68560826-C-T.
Other names: c.924G>A, p.Trp308Ter (NM_001031847.3); short protein forms W308*.
Identifiers: ClinVar variation 1395198 (VCV001395198.6), dbSNP rs2153999602, ClinGen allele CA381634228.

ClinVar aggregate classification (germline): Pathogenic (1 of 4 stars; one submission).

Conditions:
Carnitine palmitoyl transferase 1A deficiency. Also called: CPT deficiency, hepatic, type IA; Carnitine palmitoyltransferase 1A deficiency; CPT I DEFICIENCY; CPT DEFICIENCY, HEPATIC, TYPE I; Carnitine palmitoyltransferase type I deficiency. Identifiers: Orphanet 156, MedGen C1829703, MONDO:0009705, OMIM 255120.

gnomAD v4.1: 3 of 1,612,246 alleles (0.00019%); highest among the groups gnomAD compares: Non-Finnish European, 0.00025%; no homozygotes.

Submission:

Labcorp Genetics (formerly Invitae), Labcorp
Classification: Pathogenic for Carnitine palmitoyl transferase 1A deficiency. Last evaluated: 2024-10-07. Review status: criteria provided, single submitter. Criteria: Invitae Variant Classification Sherloc (09022015). Collection method: clinical testing. Allele origin: germline.
Comment: This sequence change creates a premature translational stop signal (p.Trp308*) in the CPT1A gene. It is expected to result in an absent or disrupted protein product. Loss-of-function variants in CPT1A are known to be pathogenic (PMID: 16169268). This variant is not present in population databases (gnomAD no frequency). This variant has not been reported in the literature in individuals affected with CPT1A-related conditions. ClinVar contains an entry for this variant (Variation ID: 1395198). For these reasons, this variant has been classified as Pathogenic.

Literature cited by the submitters: PubMed 16169268.